The following is an entry in ClinVar:

NM_005591.4(MRE11):c.1972A>C (p.Thr658Pro)

Gene: MRE11 (MRE11 double strand break repair nuclease; minus strand). Cytogenetic location: 11q21.
Variant type: single nucleotide variant.
Coding change: c.1972A>C on transcript NM_005591.4 (MANE Select); coding-DNA position 1972, A replaced by C.
Protein change: p.Thr658Pro; replaces threonine 658 with proline.
Molecular consequence: missense variant.
Genome position (GRCh38, 1-based): chr11:94,435,854, T>G on the plus strand (A>C on the coding strand, the complement: MRE11 is on the minus strand). VCF-style: chr11-94435854-T-G. GRCh37 (hg19) VCF-style: chr11-94169020-T-G.
Other names: c.1969A>C, p.Thr657Pro (NM_001330347.2); c.1888A>C, p.Thr630Pro (NM_005590.4); short protein forms T658P, T630P, T657P.
Identifiers: ClinVar variation 970919 (VCV000970919.10), dbSNP rs587782756, ClinGen allele CA382374062.

ClinVar aggregate classification (germline): Uncertain significance. Review status: criteria provided, multiple submitters, no conflicts (2 of 4 stars). 2 submissions from 2 submitters: Uncertain significance (2). Last evaluated 2025-11-22.

Conditions:
Ataxia-telangiectasia-like disorder (ATLD). Identifiers: MedGen C1858391, MONDO:0011457.
Hereditary cancer-predisposing syndrome. Also called: Neoplastic Syndromes, Hereditary; Hereditary Cancer Syndrome; Tumor predisposition; Hereditary neoplastic syndrome. Identifiers: Orphanet 140162, MedGen C0027672, MeSH D009386, MONDO:0015356.

gnomAD v4.1: 1 of 1,613,808 alleles (0.000062%); highest among the groups gnomAD compares: South Asian, 0.0011%; no homozygotes.

Submissions (2):

Ambry Genetics
Classification: Uncertain significance for Hereditary cancer-predisposing syndrome. Last evaluated: 2025-11-22. Review status: criteria provided, single submitter. Criteria: Ambry Variant Classification Scheme 2023. Collection method: clinical testing. Allele origin: germline.
Comment: The p.T658P variant (also known as c.1972A>C), located in coding exon 17 of the MRE11A gene, results from an A to C substitution at nucleotide position 1972. The threonine at codon 658 is replaced by proline, an amino acid with highly similar properties. This amino acid position is conserved. In addition, this alteration is predicted to be tolerated by in silico analysis. Based on the available evidence, the clinical significance of this variant remains unclear.

Labcorp Genetics (formerly Invitae), Labcorp
Classification: Uncertain significance for Ataxia-telangiectasia-like disorder. Last evaluated: 2019-11-03. Review status: criteria provided, single submitter. Criteria: Invitae Variant Classification Sherloc (09022015). Collection method: clinical testing. Allele origin: germline.
Comment: This sequence change replaces threonine with proline at codon 658 of the MRE11 protein (p.Thr658Pro). The threonine residue is weakly conserved and there is a small physicochemical difference between threonine and proline. This variant is not present in population databases (ExAC no frequency). In summary, the available evidence is currently insufficient to determine the role of this variant in disease. Therefore, it has been classified as a Variant of Uncertain Significance. Algorithms developed to predict the effect of missense changes on protein structure and function (SIFT, PolyPhen-2, Align-GVGD) all suggest that this variant is likely to be tolerated, but these predictions have not been confirmed by published functional studies and their clinical significance is uncertain. This variant has not been reported in the literature in individuals with MRE11-related conditions.